The following is an entry in ClinVar:

NM_032638.5(GATA2):c.46G>A (p.Val16Met)

Gene: GATA2 (GATA binding protein 2; minus strand). Cytogenetic location: 3q21.3.
Variant type: single nucleotide variant.
Coding change: c.46G>A on transcript NM_032638.5 (MANE Select); coding-DNA position 46, G replaced by A.
Protein change: p.Val16Met; replaces valine 16 with methionine.
Molecular consequence: missense variant.
Genome position (GRCh38, 1-based): chr3:128,486,986, C>T on the plus strand (G>A on the coding strand, the complement: GATA2 is on the minus strand). VCF-style: chr3-128486986-C-T. GRCh37 (hg19) VCF-style: chr3-128205829-C-T.
Other names: c.46G>A, p.Val16Met (NM_001145661.2, NM_001145662.1); c.46G>A (NM_001145661.1); short protein forms V16M.
Identifiers: ClinVar variation 837071 (VCV000837071.10), dbSNP rs781485787, ClinGen allele CA2600115.
Genomic context (GRCh38, chr3:128,486,986, plus strand): 5'-GTTCCATGTAGTTGTGCGCCAGGCCCGGGTGGTGTGAGTCGGGGTGCTGCGCATTCAGCA[C>T]GGCCGGGTGCGCCATCCAGCGCGGCTGCTCGGGCGCCACCTCCATGGCCGGCGGCGGCGG-3'
Protein context (NP_116027.2, residues 6-26): EQPRWMAHPA[Val16Met]LNAQHPDSHH

ClinVar aggregate classification (germline): Uncertain significance. Review status: criteria provided, multiple submitters, no conflicts (2 of 4 stars). 4 submissions from 4 submitters: Uncertain significance (4). Last evaluated 2025-06-01.

Conditions:
Monocytopenia with susceptibility to infections. Also called: MONOCYTOPENIA AND MYCOBACTERIAL INFECTION SYNDROME; MONOCYTOPENIA WITH SUSCEPTIBILITY TO MYCOBACTERIAL, FUNGAL, AND PAPILLOMAVIRUS INFECTIONS AND MYELODYSPLASIA; COMBINED IMMUNODEFICIENCY WITH SUSCEPTIBILITY TO MYCOBACTERIAL, VIRAL, AND FUNGAL INFECTIONS; Dendritic cell, monocyte, B lymphocyte, and natural killer lymphocyte deficiency; IMMUNODEFICIENCY 21; GATA2 DEFICIENCY. Identifiers: Orphanet 228423, MedGen C3280030, MONDO:0013607, OMIM 614172.
Deafness-lymphedema-leukemia syndrome. Also called: Lymphedema, primary, with myelodysplasia; Emberger syndrome. Identifiers: Orphanet 3226, MedGen C3279664, MONDO:0013540, OMIM 614038.
Increased risk to develop myelodysplastic syndrome, acute myeloid leukemia, or chronic myelomonocytic leukemia.
Inborn genetic diseases. Identifiers: MedGen C0950123, MeSH D030342.

Allele frequency attached by ClinVar (database versions not stated): TOPMed 0.00001.
gnomAD v4.1: 10 of 1,607,236 alleles (0.00062%); highest among the groups gnomAD compares: South Asian, 0.0011%; no homozygotes.

Submissions (4):

Labcorp Genetics (formerly Invitae), Labcorp
Classification: Uncertain significance for Monocytopenia with susceptibility to infections; Deafness-lymphedema-leukemia syndrome. Last evaluated: 2025-06-01. Review status: criteria provided, single submitter. Criteria: Invitae Variant Classification Sherloc (09022015). Collection method: clinical testing. Allele origin: germline.
Comment: This sequence change replaces valine, which is neutral and non-polar, with methionine, which is neutral and non-polar, at codon 16 of the GATA2 protein (p.Val16Met). The frequency data for this variant in the population databases is considered unreliable, as metrics indicate poor data quality at this position in the gnomAD database. This variant has not been reported in the literature in individuals affected with GATA2-related conditions. ClinVar contains an entry for this variant (Variation ID: 837071). Invitae Evidence Modeling of protein sequence and biophysical properties (such as structural, functional, and spatial information, amino acid conservation, physicochemical variation, residue mobility, and thermodynamic stability) indicates that this missense variant is not expected to disrupt GATA2 protein function with a negative predictive value of 95%. In summary, the available evidence is currently insufficient to determine the role of this variant in disease. Therefore, it has been classified as a Variant of Uncertain Significance.

Ambry Genetics
Classification: Uncertain significance for Inborn genetic diseases. Last evaluated: 2025-01-05. Review status: criteria provided, single submitter. Criteria: Ambry Variant Classification Scheme 2023. Collection method: clinical testing. Allele origin: germline.
Comment: The p.V16M variant (also known as c.46G>A), located in coding exon 1 of the GATA2 gene, results from a G to A substitution at nucleotide position 46. The valine at codon 16 is replaced by methionine, an amino acid with highly similar properties. This amino acid position is highly conserved in available vertebrate species. In addition, the in silico prediction for this alteration is inconclusive. Based on the available evidence, the clinical significance of this variant remains unclear.

GeneDx
Classification: Uncertain significance. Last evaluated: 2024-08-15. Review status: criteria provided, single submitter. Criteria: GeneDx Variant Classification Process June 2021. Collection method: clinical testing. Allele origin: germline. Affected: yes.
Comment: Not observed at significant frequency in large population cohorts (gnomAD); In silico analysis indicates that this missense variant does not alter protein structure/function; Has not been previously published as pathogenic or benign to our knowledge

St. Jude Molecular Pathology, St. Jude Children's Research Hospital
Classification: Uncertain significance for Increased risk to develop myelodysplastic syndrome, acute myeloid leukemia, or chronic myelomonocytic leukemia. Last evaluated: 2022-10-24. Review status: criteria provided, single submitter. Criteria: St. Jude Assertion Criteria 2020. Collection method: clinical testing. Allele origin: germline.
Comment: The GATA2 c.46G>A (p.Val16Met) missense change has a maximum subpopulation frequency of 0.0034% in gnomAD v2.1.1. The in silico tool REVEL is inconclusive about a pathogenic or benign effect of this variant on protein function, and to our knowledge functional studies have not been performed. To our knowledge, this variant has not been reported in individuals presenting with GATA2-associated clinical phenotypes. In summary, the evidence currently available is insufficient to determine the clinical significance of this variant. It has therefore been classified as of uncertain significance.